The following is an entry in ClinVar:

NM_001378457.1(DMXL2):c.7268G>T (p.Arg2423Ile)

Gene: DMXL2 (Dmx like 2; minus strand). Cytogenetic location: 15q21.2.
Variant type: single nucleotide variant.
Coding change: c.7268G>T on transcript NM_001378457.1 (MANE Select); coding-DNA position 7268, G replaced by T.
Protein change: p.Arg2423Ile; replaces arginine 2423 with isoleucine.
Molecular consequence: missense variant. On other transcripts: non-coding transcript variant (2).
Genome position (GRCh38, 1-based): chr15:51,471,347, C>A on the plus strand (G>T on the coding strand, the complement: DMXL2 is on the minus strand). VCF-style: chr15-51471347-C-A. GRCh37 (hg19) VCF-style: chr15-51763544-C-A.
Other names: c.7268G>T (NM_001174116.2); c.7268G>T, p.Arg2423Ile (NM_001174116.3, NM_001378459.1, NM_001378461.1 and 1 more transcripts); c.5357G>T, p.Arg1786Ile (NM_001174117.3); c.7265G>T, p.Arg2422Ile (NM_001378458.1, NM_001378462.1, NM_015263.5); c.5246G>T, p.Arg1749Ile (NM_001378460.1); c.7025G>T, p.Arg2342Ile (NM_001378464.1); short protein forms R2342I, R2423I, R1786I, R2422I, R1749I.
Identifiers: ClinVar variation 2002341 (VCV002002341.7), dbSNP rs1477285232, ClinGen allele CA392440471.

ClinVar aggregate classification (germline): Uncertain significance. Review status: criteria provided, multiple submitters, no conflicts (2 of 4 stars). 2 submissions from 2 submitters: Uncertain significance (2). Last evaluated 2022-10-17.

gnomAD v4.1: 1 of 1,613,934 alleles (0.000062%); no homozygotes.

Submissions (2):

Labcorp Genetics (formerly Invitae), Labcorp
Classification: Uncertain significance. Last evaluated: 2022-10-17. Review status: criteria provided, single submitter. Criteria: Invitae Variant Classification Sherloc (09022015). Collection method: clinical testing. Allele origin: germline.
Comment: This sequence change replaces arginine, which is basic and polar, with isoleucine, which is neutral and non-polar, at codon 2423 of the DMXL2 protein (p.Arg2423Ile). This variant is present in population databases (no rsID available, gnomAD 0.003%). In summary, the available evidence is currently insufficient to determine the role of this variant in disease. Therefore, it has been classified as a Variant of Uncertain Significance. Algorithms developed to predict the effect of missense changes on protein structure and function are either unavailable or do not agree on the potential impact of this missense change (SIFT: "Deleterious"; PolyPhen-2: "Benign"; Align-GVGD: "Class C0"). This variant has not been reported in the literature in individuals affected with DMXL2-related conditions.

Revvity Omics, Revvity
Classification: Uncertain significance. Last evaluated: 2022-06-24. Review status: criteria provided, single submitter. Criteria: ACMG Guidelines, 2015. Collection method: clinical testing. Allele origin: germline.